The following is an entry in ClinVar:

NM_024408.4(NOTCH2):c.6156T>C (p.Asp2052=)

Gene: NOTCH2 (notch receptor 2; minus strand). Cytogenetic location: 1p12.
Variant type: single nucleotide variant.
Coding change: c.6156T>C on transcript NM_024408.4 (MANE Select); coding-DNA position 6156, T replaced by C.
Protein change: p.Asp2052=; no amino-acid change (aspartic acid 2052 retained).
Molecular consequence: synonymous variant.
Genome position (GRCh38, 1-based): chr1:119,916,566, A>G on the plus strand (T>C on the coding strand, the complement: NOTCH2 is on the minus strand). VCF-style: chr1-119916566-A-G. GRCh37 (hg19) VCF-style: chr1-120459189-A-G.
Identifiers: ClinVar variation 2573613 (VCV002573613.3), dbSNP rs2101144929, ClinGen allele CA420034475.

ClinVar aggregate classification (germline): Likely benign. Review status: criteria provided, single submitter (1 of 4 stars). 2 submissions from 2 submitters: Likely benign (1). 1 of the submissions does not count toward it. Last evaluated 2023-06-07.

Conditions:
NOTCH2-related disorder. Also called: NOTCH2-related condition.

Submissions (2):

Women's Health and Genetics/Laboratory Corporation of America, LabCorp
Classification: Likely benign. Last evaluated: 2023-06-07. Review status: criteria provided, single submitter. Criteria: LabCorp Variant Classification Summary - May 2015. Collection method: clinical testing. Allele origin: germline.

PreventionGenetics, part of Exact Sciences
Classification: Likely benign for NOTCH2-related condition. Last evaluated: 2021-07-12. Review status: no assertion criteria provided. Collection method: clinical testing. Allele origin: germline. Not counted in ClinVar's aggregate classification.
Comment: This variant is classified as likely benign based on ACMG/AMP sequence variant interpretation guidelines (Richards et al. 2015 PMID: 25741868, with internal and published modifications).